The following is an entry in ClinVar:

ClinVar aggregate classification (germline): Uncertain significance (1 of 4 stars; one submission).

Conditions:
Neuropathy, hereditary sensory and autonomic, type 2A (HSAN2A). Also called: ACROOSTEOLYSIS, GIACCAI TYPE; ACROOSTEOLYSIS, NEUROGENIC; MORVAN DISEASE; NEUROPATHY, CONGENITAL SENSORY; NEUROPATHY, HEREDITARY SENSORY RADICULAR, AUTOSOMAL RECESSIVE; NEUROPATHY, HEREDITARY SENSORY, TYPE IIA. Identifiers: Orphanet 970, MedGen C2752089, MONDO:0024309, OMIM 201300.
Pseudohypoaldosteronism type 2C (PHA2C). Also called: Pseudohypoaldosteronism Type IIC. Identifiers: Orphanet 757, Orphanet 88940, MedGen C1840391, MONDO:0013778, OMIM 614492.

Allele frequency attached by ClinVar (database versions not stated): ExAC 0.00001; gnomAD 0.00001; gnomAD exomes 0.00001 and 0.00002.
gnomAD v4.1: 30 of 1,614,024 alleles (0.0019%); highest among the groups gnomAD compares: Non-Finnish European, 0.0024%; no homozygotes.

Submission:

Labcorp Genetics (formerly Invitae), Labcorp
Classification: Uncertain significance for Neuropathy, hereditary sensory and autonomic, type 2A; Pseudohypoaldosteronism type 2C. Last evaluated: 2020-11-27. Review status: criteria provided, single submitter. Criteria: Invitae Variant Classification Sherloc (09022015). Collection method: clinical testing. Allele origin: germline.
Comment: In summary, the available evidence is currently insufficient to determine the role of this variant in disease. Therefore, it has been classified as a Variant of Uncertain Significance. Advanced modeling of protein sequence and biophysical properties (such as structural, functional, and spatial information, amino acid conservation, physicochemical variation, residue mobility, and thermodynamic stability) performed at Invitae indicates that this missense variant is not expected to disrupt WNK1 protein function. This variant has not been reported in the literature in individuals with WNK1-related conditions. This variant is present in population databases (rs772348459, ExAC 0.001%). This sequence change replaces glutamine with lysine at codon 1250 of the WNK1 protein (p.Gln1250Lys). The glutamine residue is weakly conserved and there is a small physicochemical difference between glutamine and lysine.

NM_018979.4(WNK1):c.2254C>A (p.Gln752Lys)

Gene: WNK1 (WNK lysine deficient protein kinase 1; plus strand). Cytogenetic location: 12p13.33.
Variant type: single nucleotide variant.
Coding change: c.2254C>A on transcript NM_018979.4 (MANE Select); coding-DNA position 2254, C replaced by A.
Protein change: p.Gln752Lys; replaces glutamine 752 with lysine.
Molecular consequence: missense variant.
Genome position (GRCh38, 1-based): chr12:878,242, C>A. VCF-style: chr12-878242-C-A. GRCh37 (hg19) VCF-style: chr12-987408-C-A.
Other names: c.3493C>A, p.Gln1165Lys (NM_001184985.2); c.2251C>A, p.Gln751Lys (NM_014823.3); c.3748C>A, p.Gln1250Lys (NM_213655.5); short protein forms Q1165K, Q751K, Q1250K, Q752K.
Identifiers: ClinVar variation 1401770 (VCV001401770.8), dbSNP rs772348459, ClinGen allele CA6382423.